The following is an entry in ClinVar:

ClinVar aggregate classification (germline): Conflicting classifications of pathogenicity. Review status: criteria provided, conflicting classifications (1 of 4 stars). 6 submissions from 4 submitters: Uncertain significance (3); Benign (1); Likely benign (2). Last evaluated 2025-06-22.

Conditions:
Psoriatic arthritis, susceptibility to. Identifiers: MedGen C1835223, MONDO:0100232, OMIM 607507.
Yao syndrome. Also called: Susceptibility to Yao syndrome. Identifiers: MedGen C4310620, MONDO:0015019, OMIM 617321.
Inflammatory bowel disease 1 (IBD1). Also called: INFLAMMATORY BOWEL DISEASE (CROHN DISEASE) 1; Inflammatory bowel disease 1, Crohn disease. Identifiers: MedGen CN260071, MONDO:0009960, OMIM 266600.
Blau syndrome (BLAUS). Also called: GRANULOMATOSIS, FAMILIAL JUVENILE SYSTEMIC; GRANULOMATOSIS, FAMILIAL, BLAU TYPE; GRANULOMATOUS INFLAMMATORY ARTHRITIS, DERMATITIS, AND UVEITIS, FAMILIAL; JABS SYNDROME; ARTHROCUTANEOUVEAL GRANULOMATOSIS. Identifiers: Orphanet 90340, MedGen C5201146, MONDO:0008523, OMIM 186580.
Regional enteritis. Also called: Enteritis, Granulomatous. Identifiers: MedGen C0678202, MeSH D003424.

Allele frequency attached by ClinVar (database versions not stated): TOPMed 0.00002; gnomAD exomes 0.00003 and 0.00027; gnomAD 0.00004 and 0.00012; ExAC 0.00006; 1000 Genomes Project 30x 0.00047; 1000 Genomes Project 0.00060.
gnomAD v4.1: 402 of 1,613,934 alleles (0.025%); highest among the groups gnomAD compares: East Asian, 0.89%; no homozygotes.

Submissions (6):

Labcorp Genetics (formerly Invitae), Labcorp
Classification: Likely benign for Regional enteritis; Blau syndrome. Last evaluated: 2025-06-22. Review status: criteria provided, single submitter. Criteria: Invitae Variant Classification Sherloc (09022015). Collection method: clinical testing. Allele origin: germline.

CeGaT Center for Human Genetics Tuebingen
Classification: Likely benign. Last evaluated: 2025-03-01. Review status: criteria provided, single submitter. Criteria: CeGaT Center For Human Genetics Tuebingen Variant Classification Criteria Version 2. Collection method: clinical testing. Allele origin: germline. Affected: yes. Observed: 1 variant allele.
Comment: NOD2: BP4, BP7, BS1

Illumina Laboratory Services, Illumina
Classification: Benign for Blau syndrome. Last evaluated: 2018-01-13. Review status: criteria provided, single submitter. Criteria: ICSL Variant Classification Criteria 13 December 2019. Collection method: clinical testing. Allele origin: germline.
Comment: This variant was observed in the ICSL laboratory as part of a predisposition screen in an ostensibly healthy population. It had not been previously curated by ICSL or reported in the Human Gene Mutation Database (HGMD: prior to June 1st, 2018), and was therefore a candidate for classification through an automated scoring system. Utilizing variant allele frequency, disease prevalence and penetrance estimates, and inheritance mode, an automated score was calculated to assess if this variant is too frequent to cause the disease. Based on the score and internal cut-off values, a variant classified as benign is not then subjected to further curation. The score for this variant resulted in a classification of benign for this disease.

Illumina Laboratory Services, Illumina
Classification: Uncertain significance for Inflammatory bowel disease 1. Last evaluated: 2018-01-13. Review status: criteria provided, single submitter. Criteria: ICSL Variant Classification Criteria 13 December 2019. Collection method: clinical testing. Allele origin: germline.

Center for Genomics, Ann and Robert H. Lurie Children's Hospital of Chicago
Classification: Uncertain significance for Blau syndrome; Inflammatory bowel disease 1; Psoriatic arthritis, susceptibility to; Yao syndrome. Review status: criteria provided, single submitter. Criteria: ACMG Guidelines, 2015. Collection method: clinical testing. Allele origin: germline.
Comment: This variant has not been reported in the literature but is present in 0.006% (1/15280) of Latino alleles in the Genome Aggregation Database. This variant is present in ClinVar (Variation ID:319472). Evolutionary conservation and computational predictive tools for this variant are limited or unavailable. Of note, this variant is a silent variant and does not change the amino acid, reducing the probability that this variant is disease causing. In summary, data on this variant is insufficient for disease classification. Therefore, the clinical significance of this variant is uncertain.

Center for Genomics, Ann and Robert H. Lurie Children's Hospital of Chicago
Classification: Uncertain significance for Blau syndrome; Yao syndrome; Inflammatory bowel disease 1. Review status: criteria provided, single submitter. Criteria: ACMG Guidelines, 2015. Collection method: clinical testing. Allele origin: germline.
Comment: the same text as in the submission from Center for Genomics, Ann and Robert H. Lurie Children's Hospital of Chicago above.

NM_001370466.1(NOD2):c.2631G>A (p.Leu877=)

Gene: NOD2 (nucleotide binding oligomerization domain containing 2; plus strand). Cytogenetic location: 16q12.1.
Variant type: single nucleotide variant.
Coding change: c.2631G>A on transcript NM_001370466.1 (MANE Select); coding-DNA position 2631, G replaced by A.
Protein change: p.Leu877=; no amino-acid change (leucine 877 retained).
Molecular consequence: synonymous variant. On other transcripts: non-coding transcript variant (1).
Genome position (GRCh38, 1-based): chr16:50,720,006, G>A. VCF-style: chr16-50720006-G-A. GRCh37 (hg19) VCF-style: chr16-50753917-G-A.
Other names: c.2712G>A (LRG_177t1); c.2631G>A, p.Leu877= (NM_001293557.2); c.2712G>A, p.Leu904= (NM_022162.3).
Identifiers: ClinVar variation 319472 (VCV000319472.24), dbSNP rs142559533, ClinGen allele CA8051932.